The following is an entry in ClinVar:

ClinVar aggregate classification (germline): Uncertain significance. Review status: criteria provided, multiple submitters, no conflicts (2 of 4 stars). 2 submissions from 2 submitters: Uncertain significance (2). Last evaluated 2025-11-24.

Conditions:
Hereditary cancer-predisposing syndrome. Also called: Tumor predisposition; Hereditary Cancer Syndrome; Neoplastic Syndromes, Hereditary; Hereditary neoplastic syndrome. Identifiers: Orphanet 140162, MedGen C0027672, MeSH D009386, MONDO:0015356.
Ataxia-telangiectasia syndrome (AT). Also called: Cerebello-oculocutaneous telangiectasia; Immunodeficiency with ataxia telangiectasia; Ataxia-telangiectasia, complementation group D; AT, COMPLEMENTATION GROUP C; Ataxia-telangiectasia, complementation group E; LOUIS-BAR SYNDROME. Identifiers: Orphanet 100, MedGen C0004135, MONDO:0008840, OMIM 208900.

Allele frequency attached by ClinVar (database versions not stated): gnomAD exomes below 0.00001.
gnomAD v4.1: 2 of 1,611,716 alleles (0.00012%); highest among the groups gnomAD compares: Non-Finnish European, 0.00017%; no homozygotes.

Submissions (2):

Ambry Genetics
Classification: Uncertain significance for Hereditary cancer-predisposing syndrome. Last evaluated: 2025-11-24. Review status: criteria provided, single submitter. Criteria: Ambry Variant Classification Scheme 2023. Collection method: clinical testing. Allele origin: germline.
Comment: The p.L599P variant (also known as c.1796T>C), located in coding exon 10 of the ATM gene, results from a T to C substitution at nucleotide position 1796. The leucine at codon 599 is replaced by proline, an amino acid with similar properties. This amino acid position is highly conserved in available vertebrate species. In addition, this alteration is predicted to be deleterious by in silico analysis. Based on the available evidence, the clinical significance of this variant remains unclear.

Labcorp Genetics (formerly Invitae), Labcorp
Classification: Uncertain significance for Ataxia-telangiectasia syndrome. Last evaluated: 2017-05-02. Review status: criteria provided, single submitter. Criteria: Invitae Variant Classification Sherloc (09022015). Collection method: clinical testing. Allele origin: germline.
Comment: In summary, this variant is a novel missense change with uncertain impact on protein function. It has been classified as a Variant of Uncertain Significance. Algorithms developed to predict the effect of missense changes on protein structure and function do not agree on the potential impact of this missense change (SIFT: "Deleterious"; PolyPhen-2: "Benign"; Align-GVGD: "Class C0"). This variant is not present in population databases (ExAC no frequency) and has not been reported in the literature in individuals with a ATM-related disease. This sequence change replaces leucine with proline at codon 599 of the ATM protein (p.Leu599Pro). The leucine residue is moderately conserved and there is a moderate physicochemical difference between leucine and proline.

NM_000051.4(ATM):c.1796T>C (p.Leu599Pro)

Gene: ATM (ATM serine/threonine kinase; plus strand). Cytogenetic location: 11q22.3.
Variant type: single nucleotide variant.
Coding change: c.1796T>C on transcript NM_000051.4 (MANE Select); coding-DNA position 1796, T replaced by C.
Protein change: p.Leu599Pro; replaces leucine 599 with proline.
Molecular consequence: missense variant.
Genome position (GRCh38, 1-based): chr11:108,252,025, T>C. VCF-style: chr11-108252025-T-C. GRCh37 (hg19) VCF-style: chr11-108122752-T-C.
Other names: c.1796T>C, p.Leu599Pro (NM_001351834.2); short protein forms L599P.
Identifiers: ClinVar variation 453382 (VCV000453382.8), dbSNP rs1555072082, ClinGen allele CA382535574.
Genomic context (GRCh38, chr11:108,252,025, plus strand): 5'-GGCTCTTATTCTATCAGTTAGAGGGTGACTTAGAAAATAGCACAGAAGTGCCTCCAATTC[T>C]TCACAGGTAATTTAAGTTCATTAGCATGCTGCTGTTTTTTTTGTTTGTTTTATCAGGCTC-3'
Protein context (NP_000042.3, residues 589-609): LENSTEVPPI[Leu599Pro]HSNFPHLVLE